The following is an entry in ClinVar:

ClinVar aggregate classification (germline): Uncertain significance (1 of 4 stars; one submission).

Conditions:
Cardiovascular phenotype. Identifiers: MedGen CN230736.

Submission:

Ambry Genetics
Classification: Uncertain significance for Cardiovascular phenotype. Last evaluated: 2025-06-10. Review status: criteria provided, single submitter. Criteria: Ambry Variant Classification Scheme 2023. Collection method: clinical testing. Allele origin: germline.
Comment: The p.I198V variant (also known as c.592A>G), located in coding exon 1 of the KCND3 gene, results from an A to G substitution at nucleotide position 592. The isoleucine at codon 198 is replaced by valine, an amino acid with highly similar properties. This amino acid position is conserved. In addition, the in silico prediction for this alteration is inconclusive. Based on the available evidence, the clinical significance of this variant remains unclear.

NM_001378969.1(KCND3):c.592A>G (p.Ile198Val)

Gene: KCND3 (potassium voltage-gated channel subfamily D member 3; minus strand). Cytogenetic location: 1p13.2.
Variant type: single nucleotide variant.
Coding change: c.592A>G on transcript NM_001378969.1 (MANE Select); coding-DNA position 592, A replaced by G.
Protein change: p.Ile198Val; replaces isoleucine 198 with valine.
Molecular consequence: missense variant.
Genome position (GRCh38, 1-based): chr1:111,982,135, T>C on the plus strand (A>G on the coding strand, the complement: KCND3 is on the minus strand). VCF-style: chr1-111982135-T-C. GRCh37 (hg19) VCF-style: chr1-112524757-T-C.
Other names: c.592A>G, p.Ile198Val (NM_001378970.1, NM_004980.5, NM_172198.3); short protein forms I198V.
Identifiers: ClinVar variation 4041480 (VCV004041480.1).